The following is an entry in ClinVar:

NM_017617.5(NOTCH1):c.4949C>A (p.Ala1650Asp)

Gene: NOTCH1 (notch receptor 1; minus strand). Cytogenetic location: 9q34.3.
Variant type: single nucleotide variant.
Coding change: c.4949C>A on transcript NM_017617.5 (MANE Select); coding-DNA position 4949, C replaced by A.
Protein change: p.Ala1650Asp; replaces alanine 1650 with aspartic acid.
Molecular consequence: missense variant.
Genome position (GRCh38, 1-based): chr9:136,504,742, G>T on the plus strand (C>A on the coding strand, the complement: NOTCH1 is on the minus strand). VCF-style: chr9-136504742-G-T. GRCh37 (hg19) VCF-style: chr9-139399194-G-T.
Other names: short protein forms A1650D.
Identifiers: ClinVar variation 2452199 (VCV002452199.2), dbSNP rs1290640224, ClinGen allele CA375644271.

ClinVar aggregate classification (germline): Uncertain significance (1 of 4 stars; one submission).

Conditions:
Familial thoracic aortic aneurysm and aortic dissection (TAAD). Also called: Thoracic aortic aneurysms and dissections. Identifiers: Orphanet 91387, MedGen C4707243, MONDO:0019625.

Submission:

Ambry Genetics
Classification: Uncertain significance for Familial thoracic aortic aneurysm and aortic dissection. Last evaluated: 2023-03-12. Review status: criteria provided, single submitter. Criteria: Ambry Variant Classification Scheme 2023. Collection method: clinical testing. Allele origin: germline.
Comment: The p.A1650D variant (also known as c.4949C>A), located in coding exon 26 of the NOTCH1 gene, results from a C to A substitution at nucleotide position 4949. The alanine at codon 1650 is replaced by aspartic acid, an amino acid with dissimilar properties. This amino acid position is conserved. In addition, this alteration is predicted to be tolerated by in silico analysis. Since supporting evidence is limited at this time, the clinical significance of this alteration remains unclear.